The following is an entry in ClinVar:

ClinVar aggregate classification (germline): Uncertain significance (1 of 4 stars; one submission).

Submission:

GeneDx
Classification: Uncertain significance. Last evaluated: 2023-12-01. Review status: criteria provided, single submitter. Criteria: GeneDx Variant Classification Process June 2021. Collection method: clinical testing. Allele origin: germline. Affected: yes.
Comment: Not observed at significant frequency in large population cohorts (gnomAD); In silico analysis supports that this missense variant does not alter protein structure/function; Has not been previously published as pathogenic or benign to our knowledge

NM_006445.4(PRPF8):c.6823G>C (p.Ala2275Pro)

Gene: PRPF8 (pre-mRNA processing factor 8; minus strand). Cytogenetic location: 17p13.3.
Variant type: single nucleotide variant.
Coding change: c.6823G>C on transcript NM_006445.4 (MANE Select); coding-DNA position 6823, G replaced by C.
Protein change: p.Ala2275Pro; replaces alanine 2275 with proline.
Molecular consequence: missense variant.
Genome position (GRCh38, 1-based): chr17:1,651,138, C>G on the plus strand (G>C on the coding strand, the complement: PRPF8 is on the minus strand). VCF-style: chr17-1651138-C-G. GRCh37 (hg19) VCF-style: chr17-1554432-C-G.
Other names: short protein forms A2275P.
Identifiers: ClinVar variation 3365051 (VCV003365051.1).
Genomic context (GRCh38, chr17:1,651,138, plus strand): 5'-TCCCCACATCCCCAGGCTCCTCCCACTTACCCATGAAGTTGTAGTTCCACGAGGACTGGG[C>G]AGGGACCATGAAGAAGCCAAGGAAACGGTCCGACAGCAGCATCTGCACCCTCTCATAGTG-3'
Protein context (NP_006436.3, residues 2265-2285): DRFLGFFMVP[Ala2275Pro]QSSWNYNFMG